The following is an entry in ClinVar:

ClinVar aggregate classification (germline): Uncertain significance (1 of 4 stars; one submission).

Conditions:
Syndromic multisystem autoimmune disease due to ITCH deficiency. Also called: AUTOIMMUNE DISEASE, MULTISYSTEM, WITH FACIAL DYSMORPHISM. Identifiers: Orphanet 228426, MedGen C3150649, MONDO:0013245, OMIM 613385.

Allele frequency attached by ClinVar (database versions not stated): gnomAD 0.00001; TOPMed 0.00002.
gnomAD v4.1: 2 of 1,614,036 alleles (0.00012%); highest among the groups gnomAD compares: Non-Finnish European, 0.00017%; no homozygotes.

Submission:

Labcorp Genetics (formerly Invitae), Labcorp
Classification: Uncertain significance for Syndromic multisystem autoimmune disease due to ITCH deficiency. Last evaluated: 2022-04-10. Review status: criteria provided, single submitter. Criteria: Invitae Variant Classification Sherloc (09022015). Collection method: clinical testing. Allele origin: germline.
Comment: This sequence change replaces asparagine, which is neutral and polar, with serine, which is neutral and polar, at codon 280 of the ITCH protein (p.Asn280Ser). This variant is present in population databases (no rsID available, gnomAD 0.007%). This variant has not been reported in the literature in individuals affected with ITCH-related conditions. Algorithms developed to predict the effect of missense changes on protein structure and function are either unavailable or do not agree on the potential impact of this missense change (SIFT: "Not Available"; PolyPhen-2: "Benign"; Align-GVGD: "Not Available"). In summary, the available evidence is currently insufficient to determine the role of this variant in disease. Therefore, it has been classified as a Variant of Uncertain Significance.

NM_031483.7(ITCH):c.839A>G (p.Asn280Ser)

Gene: ITCH (itchy E3 ubiquitin protein ligase; plus strand). Cytogenetic location: 20q11.22.
Variant type: single nucleotide variant.
Coding change: c.839A>G on transcript NM_031483.7 (MANE Select); coding-DNA position 839, A replaced by G.
Protein change: p.Asn280Ser; replaces asparagine 280 with serine.
Molecular consequence: missense variant.
Genome position (GRCh38, 1-based): chr20:34,440,314, A>G. VCF-style: chr20-34440314-A-G. GRCh37 (hg19) VCF-style: chr20-33028119-A-G.
Other names: c.962A>G, p.Asn321Ser (NM_001257137.3, NM_001324197.2); c.509A>G, p.Asn170Ser (NM_001257138.3); c.839A>G, p.Asn280Ser (NM_001324198.2); short protein forms N321S, N170S, N280S.
Identifiers: ClinVar variation 2185027 (VCV002185027.4), dbSNP rs1436322882, ClinGen allele CA408663326.
Genomic context (GRCh38, chr20:34,440,314, plus strand): 5'-CAACATCTGGATTAATAATTCCTCTTACTATATCTGGAGGCTCAGGCCCTAGGCCATTAA[A>G]TCCTGTAACTCAAGCTCCCTTGCCACCTGGGTGAGTAACTTTTTAAATTAACATATGTTG-3'
Protein context (NP_113671.3, residues 270-290): ISGGSGPRPL[Asn280Ser]PVTQAPLPPG